The following is an entry in ClinVar:

NM_003709.4(KLF7):c.596G>A (p.Ser199Asn)

Gene: KLF7 (KLF transcription factor 7; minus strand). Cytogenetic location: 2q33.3.
Variant type: single nucleotide variant.
Coding change: c.596G>A on transcript NM_003709.4 (MANE Select); coding-DNA position 596, G replaced by A.
Protein change: p.Ser199Asn; replaces serine 199 with asparagine.
Molecular consequence: missense variant. On other transcripts: intron variant (2).
Genome position (GRCh38, 1-based): chr2:207,123,911, C>T on the plus strand (G>A on the coding strand, the complement: KLF7 is on the minus strand). VCF-style: chr2-207123911-C-T. GRCh37 (hg19) VCF-style: chr2-207988635-C-T.
Other names: c.497G>A, p.Ser166Asn (NM_001270943.2); c.512G>A, p.Ser171Asn (NM_001270944.2); c.531+65G>A (NM_001270942.1, NM_001438026.1); short protein forms S166N, S171N, S199N.
Identifiers: ClinVar variation 4082778 (VCV004082778.1).

ClinVar aggregate classification (germline): Uncertain significance (1 of 4 stars; one submission).

Submission:

GeneDx
Classification: Uncertain significance. Last evaluated: 2025-03-04. Review status: criteria provided, single submitter. Criteria: GeneDx Variant Classification Process June 2021. Collection method: clinical testing. Allele origin: germline. Affected: yes.
Comment: Not observed at significant frequency in large population cohorts (gnomAD); In silico analysis indicates that this missense variant does not alter protein structure/function; Has not been previously published as pathogenic or benign to our knowledge